The following is an entry in ClinVar:

Conditions:
Breast-ovarian cancer, familial, susceptibility to, 1 (BROVCA1). Also called: BRCA1 Hereditary Breast and Ovarian Cancer; OVARIAN CANCER, SUSCEPTIBILITY TO. Identifiers: Orphanet 145, MedGen C2676676, MONDO:0011450, OMIM 604370. Disease mechanism: loss of function.

Submission:

Brotman Baty Institute, University of Washington
No classification provided (evidence only). Condition: Breast-ovarian cancer, familial 1. Review status: no classification provided. Collection method: in vitro. Allele origin: not applicable. Functional consequence: functionally_normal.
ClinVar note: "not provided" was previously submitted as the classification for the variant. However, the classification appeared to be based only on an observation of functional data so it was converted to no classification on 2025-07-30.

NM_007294.4(BRCA1):c.5403C>A (p.Gly1801=)

Gene: BRCA1 (BRCA1 DNA repair associated; minus strand). Cytogenetic location: 17q21.31.
Variant type: single nucleotide variant.
Coding change: c.5403C>A on transcript NM_007294.4 (MANE Select); coding-DNA position 5403, C replaced by A.
Protein change: p.Gly1801=; no amino-acid change (glycine 1801 retained).
Molecular consequence: synonymous variant. On other transcripts: intron variant (19).
Genome position (GRCh38, 1-based): chr17:43,049,124, G>T on the plus strand (C>A on the coding strand, the complement: BRCA1 is on the minus strand). VCF-style: chr17-43049124-G-T. GRCh37 (hg19) VCF-style: chr17-41201141-G-T.
Other names: c.1830C>A, p.Gly610= (NM_001408496.1, NM_001408497.1, NM_001408498.1 and 3 more transcripts); c.1827C>A, p.Gly609= (NM_001408502.1, NM_001408503.1, NM_001408504.1); c.1824C>A, p.Gly608= (NM_001408505.1); c.1767C>A, p.Gly589= (NM_001408506.1); c.1764C>A, p.Gly588= (NM_001408507.1); c.1755C>A, p.Gly585= (NM_001408508.1); c.1752C>A, p.Gly584= (NM_001408509.1); c.1713C>A, p.Gly571= (NM_001408510.1); and 84 more.
Identifiers: ClinVar variation 865705 (VCV000865705.3), dbSNP rs2051072930, ClinGen allele CA500143275.